The following is an entry in ClinVar:

NM_020937.4(FANCM):c.1055T>A (p.Ile352Lys)

Gene: FANCM (FA complementation group M; plus strand). Cytogenetic location: 14q21.2.
Variant type: single nucleotide variant.
Coding change: c.1055T>A on transcript NM_020937.4 (MANE Select); coding-DNA position 1055, T replaced by A.
Protein change: p.Ile352Lys; replaces isoleucine 352 with lysine.
Molecular consequence: missense variant.
Genome position (GRCh38, 1-based): chr14:45,153,924, T>A. VCF-style: chr14-45153924-T-A. GRCh37 (hg19) VCF-style: chr14-45623127-T-A.
Other names: c.977T>A, p.Ile326Lys (NM_001308133.2); c.1055T>A, p.Ile352Lys (NM_001308134.2); short protein forms I326K, I352K.
Identifiers: ClinVar variation 4254697 (VCV004254697.1).

ClinVar aggregate classification (germline): Uncertain significance (1 of 4 stars; one submission).

Conditions:
Inborn genetic diseases. Identifiers: MedGen C0950123, MeSH D030342.

Submission:

Ambry Genetics
Classification: Uncertain significance for Inborn genetic diseases. Last evaluated: 2025-08-22. Review status: criteria provided, single submitter. Criteria: Ambry Variant Classification Scheme 2023. Collection method: clinical testing. Allele origin: germline.
Comment: The p.I352K variant (also known as c.1055T>A), located in coding exon 6 of the FANCM gene, results from a T to A substitution at nucleotide position 1055. The isoleucine at codon 352 is replaced by lysine, an amino acid with dissimilar properties. This amino acid position is conserved. In addition, this alteration is predicted to be tolerated by in silico analysis. Based on the available evidence, the clinical significance of this variant remains unclear.